The following is an entry in ClinVar:

ClinVar aggregate classification (germline): Uncertain significance (1 of 4 stars; one submission).

gnomAD v4.1: 1 of 1,614,032 alleles (0.000062%); highest among the groups gnomAD compares: Non-Finnish European, 0.000085%; no homozygotes.

Submission:

GeneDx
Classification: Uncertain significance. Last evaluated: 2025-05-01. Review status: criteria provided, single submitter. Criteria: GeneDx Variant Classification Process June 2021. Collection method: clinical testing. Allele origin: germline. Affected: yes.
Comment: Not observed at significant frequency in large population cohorts (gnomAD); In silico analysis supports that this missense variant has a deleterious effect on protein structure/function; Has not been previously published as pathogenic or benign to our knowledge; This variant is associated with the following publications: (PMID: 26080897)

NM_020549.5(CHAT):c.1310G>A (p.Gly437Asp)

Gene: CHAT (choline O-acetyltransferase; plus strand). Cytogenetic location: 10q11.23.
Variant type: single nucleotide variant.
Coding change: c.1310G>A on transcript NM_020549.5 (MANE Select); coding-DNA position 1310, G replaced by A.
Protein change: p.Gly437Asp; replaces glycine 437 with aspartic acid.
Molecular consequence: missense variant.
Genome position (GRCh38, 1-based): chr10:49,648,535, G>A. VCF-style: chr10-49648535-G-A. GRCh37 (hg19) VCF-style: chr10-50856581-G-A.
Other names: c.956G>A, p.Gly319Asp (NM_001142929.2, NM_001142934.2, NM_020984.4 and 2 more transcripts); c.1064G>A, p.Gly355Asp (NM_001142933.2); short protein forms G319D, G355D, G437D.
Identifiers: ClinVar variation 4527509 (VCV004527509.1).